The following is an entry in ClinVar:

ClinVar aggregate classification (germline): Conflicting classifications of pathogenicity. Review status: criteria provided, conflicting classifications (1 of 4 stars). 6 submissions from 6 submitters: Uncertain significance (5); Likely benign (1). Last evaluated 2026-01-16.

Conditions:
Endometrial carcinoma. Also called: Endometrial carcinoma, somatic. Identifiers: MedGen C0476089, MONDO:0002447, OMIM 608089, HP:0012114.
MSH3-related disorder. Also called: MSH3-related condition.
Hereditary cancer-predisposing syndrome. Also called: Neoplastic Syndromes, Hereditary; Tumor predisposition; Hereditary neoplastic syndrome; Hereditary Cancer Syndrome. Identifiers: Orphanet 140162, MedGen C0027672, MeSH D009386, MONDO:0015356.

Allele frequency attached by ClinVar (database versions not stated): TOPMed 0.00006; ESP Exome Variant Server 0.00015; 1000 Genomes Project 30x 0.00031.
gnomAD v4.1: 21 of 1,614,128 alleles (0.0013%); highest among the groups gnomAD compares: African/African-American, 0.016%; no homozygotes.

Submissions (6):

Labcorp Genetics (formerly Invitae), Labcorp
Classification: Uncertain significance. Last evaluated: 2026-01-16. Review status: criteria provided, single submitter. Criteria: Invitae Variant Classification Sherloc (09022015). Collection method: clinical testing. Allele origin: germline.
Comment: This sequence change replaces aspartic acid, which is acidic and polar, with asparagine, which is neutral and polar, at codon 143 of the MSH3 protein (p.Asp143Asn). This variant is present in population databases (rs138381683, gnomAD 0.04%). This missense change has been observed in individual(s) with colorectal cancer (PMID: 29212164). ClinVar contains an entry for this variant (Variation ID: 838544). An algorithm developed to predict the effect of missense changes on protein structure and function outputs the following: PolyPhen-2: "Possibly Damaging". The asparagine amino acid residue is found in multiple mammalian species, which suggests that this missense change does not adversely affect protein function. In summary, the available evidence is currently insufficient to determine the role of this variant in disease. Therefore, it has been classified as a Variant of Uncertain Significance.

Quest Diagnostics Nichols Institute San Juan Capistrano
Classification: Uncertain significance. Last evaluated: 2025-05-31. Review status: criteria provided, single submitter. Criteria: Quest Diagnostics criteria. Collection method: clinical testing. Allele origin: unknown.
Comment: The MSH3 c.427G>A (p.Asp143Asn) variant has been reported in the published literature in an individual with colorectal cancer (PMID: 29212164 (2017)). The frequency of this variant in the general population (Genome Aggregation Database) is uninformative in the assessment of its pathogenicity. Analysis of this variant using bioinformatics tools for the prediction of the effect of amino acid changes on protein structure and function yielded predictions that this variant is benign. Based on the available information, we are unable to determine the clinical significance of this variant.

Center for Genomic Medicine, Rigshospitalet, Copenhagen University Hospital
Classification: Uncertain significance. Last evaluated: 2025-03-04. Review status: criteria provided, single submitter. Criteria: ACMG Guidelines, 2015. Collection method: clinical testing. Allele origin: germline.

Baylor Genetics
Classification: Uncertain significance for Endometrial carcinoma. Last evaluated: 2024-03-11. Review status: criteria provided, single submitter. Criteria: ACMG Guidelines, 2015. Collection method: clinical testing. Allele origin: unknown.

Ambry Genetics
Classification: Likely benign for Hereditary cancer-predisposing syndrome. Last evaluated: 2024-01-11. Review status: criteria provided, single submitter. Criteria: Ambry Variant Classification Scheme 2023. Collection method: clinical testing. Allele origin: germline.

PreventionGenetics, part of Exact Sciences
Classification: Uncertain significance for MSH3-related condition. Last evaluated: 2023-03-19. Review status: criteria provided, single submitter. Criteria: ACMG Guidelines, 2015. Collection method: clinical testing. Allele origin: germline.
Comment: The MSH3 c.427G>A variant is predicted to result in the amino acid substitution p.Asp143Asn. This variant was reported in an individual with colorectal cancer (Raskin et al 2017. PubMed ID: 29212164). This variant is reported in 0.043% of alleles in individuals of African descent in gnomAD and is interpreted as uncertain significance in ClinVar. At this time, the clinical significance of this variant is uncertain due to the absence of conclusive functional and genetic evidence.

Literature cited by the submitters: PubMed 29212164 (cited by 4 submitters).

NM_002439.5(MSH3):c.427G>A (p.Asp143Asn)

Gene: MSH3 (mutS homolog 3; plus strand). Cytogenetic location: 5q14.1.
Variant type: single nucleotide variant.
Coding change: c.427G>A on transcript NM_002439.5 (MANE Select); coding-DNA position 427, G replaced by A.
Protein change: p.Asp143Asn; replaces aspartic acid 143 with asparagine.
Molecular consequence: missense variant.
Genome position (GRCh38, 1-based): chr5:80,665,211, G>A. VCF-style: chr5-80665211-G-A. GRCh37 (hg19) VCF-style: chr5-79961030-G-A.
Other names: short protein forms D143N.
Identifiers: ClinVar variation 838544 (VCV000838544.18), dbSNP rs138381683, ClinGen allele CA3327601.